The following is an entry in ClinVar:

NM_001321645.3(ZNF224):c.1354G>A (p.Gly452Arg)

Genes: ZNF225-AS1 (ZNF225 and ZNF224 antisense RNA 1; minus strand), ZNF224 (zinc finger protein 224; plus strand). Cytogenetic location: 19q13.31.
Variant type: single nucleotide variant.
Coding change: c.1354G>A on transcript NM_001321645.3 (MANE Select); coding-DNA position 1354, G replaced by A.
Protein change: p.Gly452Arg; replaces glycine 452 with arginine.
Molecular consequence: missense variant. On other transcripts: non-coding transcript variant (1).
Genome position (GRCh38, 1-based): chr19:44,107,514, G>A. VCF-style: chr19-44107514-G-A. GRCh37 (hg19) VCF-style: chr19-44611667-G-A.
Other names: c.1354G>A, p.Gly452Arg (NM_013398.5); short protein forms G452R.
Identifiers: ClinVar variation 161669 (VCV000161669.2), dbSNP rs193921003, ClinGen allele CA025064.

ClinVar aggregate classification (germline): Uncertain significance (0 of 4 stars; one submission).

Conditions:
Prostate cancer. Also called: Malignant tumor of prostate. Identifiers: Orphanet 1331, MedGen C0376358, MONDO:0008315, HP:0012125.

Submission:

Science for Life laboratory,  Karolinska Institutet
Classification: Uncertain significance for Malignant tumor of prostate. Review status: no assertion criteria provided. Collection method: not provided. Allele origin: somatic.
Comment: TumorID:SWE-5
ClinVar note: Converted during submission from Unknown to Uncertain significance.